The following is an entry in ClinVar:

ClinVar aggregate classification (germline): Likely benign (1 of 4 stars; one submission).

Submission:

CeGaT Center for Human Genetics Tuebingen
Classification: Likely benign. Last evaluated: 2024-05-01. Review status: criteria provided, single submitter. Criteria: CeGaT Center For Human Genetics Tuebingen Variant Classification Criteria Version 2. Collection method: clinical testing. Allele origin: germline. Affected: yes. Observed: 1 variant allele.
Comment: HDAC8: PM2:Supporting, BP4, BP7

NM_018486.3(HDAC8):c.363A>G (p.Thr121=)

Gene: HDAC8 (histone deacetylase 8; minus strand). Cytogenetic location: Xq13.1.
Variant type: single nucleotide variant.
Coding change: c.363A>G on transcript NM_018486.3 (MANE Select); coding-DNA position 363, A replaced by G.
Protein change: p.Thr121=; no amino-acid change (threonine 121 retained).
Molecular consequence: synonymous variant. On other transcripts: intron variant (3).
Genome position (GRCh38, 1-based): chrX:72,567,963, T>C on the plus strand (A>G on the coding strand, the complement: HDAC8 is on the minus strand). VCF-style: chrX-72567963-T-C. GRCh37 (hg19) VCF-style: chrX-71787813-T-C.
Other names: c.363A>G, p.Thr121= (NM_001166419.2, NM_001166420.2, NM_001166422.2 and 4 more transcripts); c.164+4094A>G (NM_001166418.2, NM_001410728.1, NM_001166448.2).
Identifiers: ClinVar variation 3239394 (VCV003239394.19), dbSNP rs2522166877.